The following is an entry in ClinVar:

ClinVar aggregate classification (germline): Likely benign. Review status: criteria provided, multiple submitters, no conflicts (2 of 4 stars). 2 submissions from 2 submitters: Likely benign (2). Last evaluated 2025-02-18.

Conditions:
Breast-ovarian cancer, familial, susceptibility to, 3. Also called: RAD51C-Related Breast/Ovarian Cancer. Identifiers: Orphanet 145, MedGen C3150659, MONDO:0013253, OMIM 613399.
Fanconi anemia complementation group O. Also called: RAD51C-Related Fanconi Anemia. Identifiers: Orphanet 84, MedGen C3150653, MONDO:0013248, OMIM 613390.

gnomAD v4.1: 2 of 1,613,720 alleles (0.00012%); highest among the groups gnomAD compares: Non-Finnish European, 0.000085%; no homozygotes.

Submissions (2):

Myriad Genetics, Inc.
Classification: Likely benign for Breast-ovarian cancer, familial, susceptibility to, 3. Last evaluated: 2025-02-18. Review status: criteria provided, single submitter. Criteria: Myriad Autosomal Dominant, Autosomal Recessive and X-Linked Classification Criteria (2023). Collection method: clinical testing. Allele origin: unknown.
Comment: This variant is considered likely benign. This variant is intronic and is not expected to impact mRNA splicing.

Labcorp Genetics (formerly Invitae), Labcorp
Classification: Likely benign for Fanconi anemia complementation group O. Last evaluated: 2024-06-19. Review status: criteria provided, single submitter. Criteria: Invitae Variant Classification Sherloc (09022015). Collection method: clinical testing. Allele origin: germline.

NM_058216.3(RAD51C):c.571+9G>A

Gene: RAD51C (RAD51 paralog C; plus strand). Cytogenetic location: 17q22.
Variant type: single nucleotide variant.
Coding change: c.571+9G>A on transcript NM_058216.3 (MANE Select); 9 bases into the intron after coding-DNA position 571, G replaced by A.
Molecular consequence: intron variant.
Genome position (GRCh38, 1-based): chr17:58,696,868, G>A. VCF-style: chr17-58696868-G-A. GRCh37 (hg19) VCF-style: chr17-56774229-G-A.
Identifiers: ClinVar variation 3657039 (VCV003657039.3).
Genomic context (GRCh38, chr17:58,696,868, plus strand): 5'-ACTGCCTGCATTCAGCACCTTCAGCTTATAGCAGAAAAACACAAGGGAGAGGGTAAGTTA[G>A]TAAATGATCTTCTTTTTTTCTGTATTAATAAAAGTAATTTGCATTTGTGCCCATCTGAGA-3'